The following is an entry in ClinVar:

NM_000051.4(ATM):c.3856T>C (p.Cys1286Arg)

Gene: ATM (ATM serine/threonine kinase; plus strand). Cytogenetic location: 11q22.3.
Variant type: single nucleotide variant.
Coding change: c.3856T>C on transcript NM_000051.4 (MANE Select); coding-DNA position 3856, T replaced by C.
Protein change: p.Cys1286Arg; replaces cysteine 1286 with arginine.
Molecular consequence: missense variant.
Genome position (GRCh38, 1-based): chr11:108,284,336, T>C. VCF-style: chr11-108284336-T-C. GRCh37 (hg19) VCF-style: chr11-108155063-T-C.
Other names: c.3856T>C, p.Cys1286Arg (NM_001351834.2); short protein forms C1286R.
Identifiers: ClinVar variation 919623 (VCV000919623.5), dbSNP rs2082381435, ClinGen allele CA382525230.

ClinVar aggregate classification (germline): Uncertain significance. Review status: criteria provided, multiple submitters, no conflicts (2 of 4 stars). 2 submissions from 2 submitters: Uncertain significance (2). Last evaluated 2024-05-10.

Conditions:
Hereditary cancer-predisposing syndrome. Also called: Neoplastic Syndromes, Hereditary; Tumor predisposition; Hereditary Cancer Syndrome; Hereditary neoplastic syndrome. Identifiers: Orphanet 140162, MedGen C0027672, MeSH D009386, MONDO:0015356.

Submissions (2):

Ambry Genetics
Classification: Uncertain significance for Hereditary cancer-predisposing syndrome. Last evaluated: 2024-05-10. Review status: criteria provided, single submitter. Criteria: Ambry Variant Classification Scheme 2023. Collection method: clinical testing. Allele origin: germline.
Comment: The p.C1286R variant (also known as c.3856T>C), located in coding exon 25 of the ATM gene, results from a T to C substitution at nucleotide position 3856. The cysteine at codon 1286 is replaced by arginine, an amino acid with highly dissimilar properties. This amino acid position is conserved. In addition, this alteration is predicted to be deleterious by in silico analysis. Based on the available evidence, the clinical significance of this variant remains unclear.

Color Diagnostics, LLC DBA Color Health
Classification: Uncertain significance for Hereditary cancer-predisposing syndrome. Last evaluated: 2024-03-07. Review status: criteria provided, single submitter. Criteria: ACMG Guidelines, 2015. Collection method: clinical testing. Allele origin: germline.
Comment: This missense variant replaces cysteine with arginine at codon 1286 of the ATM protein. Computational prediction suggests that this variant may have deleterious impact on protein structure and function (internally defined REVEL score threshold >= 0.7, PMID: 27666373). Splice site prediction tools suggest that this variant may not impact RNA splicing. To our knowledge, functional studies have not been performed for this variant. This variant has not been reported in individuals affected with hereditary cancer in the literature. This variant has not been identified in the general population by the Genome Aggregation Database (gnomAD). The available evidence is insufficient to determine the role of this variant in disease conclusively. Therefore, this variant is classified as a Variant of Uncertain Significance.